The following is an entry in ClinVar:

NM_001127178.3(PIGG):c.1258A>C (p.Ser420Arg)

Gene: PIGG (phosphatidylinositol glycan anchor biosynthesis class G (EMM blood group); plus strand). Cytogenetic location: 4p16.3.
Variant type: single nucleotide variant.
Coding change: c.1258A>C on transcript NM_001127178.3 (MANE Select); coding-DNA position 1258, A replaced by C.
Protein change: p.Ser420Arg; replaces serine 420 with arginine.
Molecular consequence: missense variant. On other transcripts: 5 prime UTR variant (2), non-coding transcript variant (10), intron variant (1).
Genome position (GRCh38, 1-based): chr4:521,199, A>C. VCF-style: chr4-521199-A-C. GRCh37 (hg19) VCF-style: chr4-514988-A-C.
Other names: c.991A>C, p.Ser331Arg (NM_001289051.2, NM_001289053.2, NM_001345986.2 and 1 more transcripts); c.859A>C, p.Ser287Arg (NM_001289052.2); c.892A>C, p.Ser298Arg (NM_001289055.2); c.229A>C, p.Ser77Arg (NM_001345988.2); c.1258A>C, p.Ser420Arg (NM_001345989.2, NM_017733.5); c.-230A>C (NM_001345990.2, NM_001345991.2); c.184A>C, p.Ser62Arg (NM_001345994.2); c.848-461A>C (NM_001289057.2); short protein forms S62R, S331R, S287R, S420R, S77R, S298R.
Identifiers: ClinVar variation 1442928 (VCV001442928.8), dbSNP rs2108941260, ClinGen allele CA355904004.

ClinVar aggregate classification (germline): Uncertain significance (1 of 4 stars; one submission).

Conditions:
Intellectual disability, autosomal recessive 53 (NEDHSCA). Also called: NEURODEVELOPMENTAL DISORDER WITH OR WITHOUT HYPOTONIA, SEIZURES, AND CEREBELLAR ATROPHY; GLYCOSYLPHOSPHATIDYLINOSITOL BIOSYNTHESIS DEFECT 13; Mental retardation, autosomal recessive 53. Identifiers: Orphanet 488635, MedGen C4310794, MONDO:0014832, OMIM 616917.

Submission:

Labcorp Genetics (formerly Invitae), Labcorp
Classification: Uncertain significance for Intellectual disability, autosomal recessive 53. Last evaluated: 2022-02-05. Review status: criteria provided, single submitter. Criteria: Invitae Variant Classification Sherloc (09022015). Collection method: clinical testing. Allele origin: germline.
Comment: This variant is not present in population databases (gnomAD no frequency). In summary, the available evidence is currently insufficient to determine the role of this variant in disease. Therefore, it has been classified as a Variant of Uncertain Significance. Algorithms developed to predict the effect of missense changes on protein structure and function output the following: SIFT: "Deleterious"; PolyPhen-2: "Benign"; Align-GVGD: "Class C0". The arginine amino acid residue is found in multiple mammalian species, which suggests that this missense change does not adversely affect protein function. This variant has not been reported in the literature in individuals affected with PIGG-related conditions. This sequence change replaces serine, which is neutral and polar, with arginine, which is basic and polar, at codon 420 of the PIGG protein (p.Ser420Arg).